The following is an entry in ClinVar:

ClinVar aggregate classification (germline): Uncertain significance (1 of 4 stars; one submission).

Conditions:
TJP2-related disorder. Also called: TJP2-related condition.

gnomAD v4.1: 1 of 1,614,202 alleles (0.000062%); highest among the groups gnomAD compares: Admixed American, 0.0017%; no homozygotes.

Submission:

PreventionGenetics, part of Exact Sciences
Classification: Uncertain significance for TJP2-related condition. Last evaluated: 2025-03-19. Review status: criteria provided, single submitter. Criteria: ACMG Guidelines, 2015. Collection method: clinical testing. Allele origin: germline.
Comment: The TJP2 c.3256G>A variant is predicted to result in the amino acid substitution p.Glu1086Lys. To our knowledge, this variant has not been reported in the literature. This variant is reported in 0.0029% of alleles in individuals of Latino descent in gnomAD. At this time, the clinical significance of this variant is uncertain due to the absence of conclusive functional and genetic evidence.

NM_004817.4(TJP2):c.3256G>A (p.Glu1086Lys)

Gene: TJP2 (tight junction protein 2; plus strand). Cytogenetic location: 9q21.11.
Variant type: single nucleotide variant.
Coding change: c.3256G>A on transcript NM_004817.4 (MANE Select); coding-DNA position 3256, G replaced by A.
Protein change: p.Glu1086Lys; replaces glutamic acid 1086 with lysine.
Molecular consequence: missense variant. On other transcripts: intron variant (3).
Genome position (GRCh38, 1-based): chr9:69,251,299, G>A. VCF-style: chr9-69251299-G-A. GRCh37 (hg19) VCF-style: chr9-71866215-G-A.
Other names: c.3157G>A, p.Glu1053Lys (NM_001170415.1); c.3349G>A, p.Glu1117Lys (NM_001170416.2); c.3181G>A, p.Glu1061Lys (NM_001369870.1); c.3187G>A, p.Glu1063Lys (NM_001369871.1); c.3145G>A, p.Glu1049Lys (NM_001369872.1); c.2932G>A, p.Glu978Lys (NM_001369873.1); c.3268G>A, p.Glu1090Lys (NM_001369875.1); c.2812-1516G>A (NM_001170414.2); and 2 more; short protein forms E1053K, E1061K, E1063K, E1090K, E1049K, E1117K, E1086K, E978K.
Identifiers: ClinVar variation 4997816 (VCV004997816.1).
Genomic context (GRCh38, chr9:69,251,299, plus strand): 5'-GAGAGCAGTGAGGAGCAAGATAATGCTCCCAAATCAGTCCTGGGCAAAGTCAAAATATTT[G>A]AGAAGATGGATCACAAGGCCAGGTTACAGAGAATGCAGGAGCTCCAGGAAGCACAGAATG-3'
Protein context (NP_004808.2, residues 1076-1096): KSVLGKVKIF[Glu1086Lys]KMDHKARLQR